The following is an entry in ClinVar:

ClinVar aggregate classification (germline): Pathogenic (1 of 4 stars; one submission).

Conditions:
Tuberous sclerosis 2 (TSC2). Identifiers: Orphanet 805, MedGen C1860707, MONDO:0013199, OMIM 613254.

Submission:

Labcorp Genetics (formerly Invitae), Labcorp
Classification: Pathogenic for Tuberous sclerosis 2. Last evaluated: 2018-07-31. Review status: criteria provided, single submitter. Criteria: Invitae Variant Classification Sherloc (09022015). Collection method: clinical testing. Allele origin: germline.
Comment: For these reasons, this variant has been classified as Pathogenic. Loss-of-function variants in TSC2 are known to be pathogenic (PMID: 10205261, 17304050). This variant has not been reported in the literature in individuals with TSC2-related disease. This variant is a gross deletion of the genomic region encompassing exons 2-22 of the TSC2 gene, which includes the initiator codon. The 5' end of this event is unknown as it extends beyond the assayed region for this gene and therefore may encompass additional genes. The 3' boundary is likely confined to intron 22 of the TSC2 gene. This is expected to result in an absent or disrupted protein product.

Literature cited by the submitters: PubMed 10205261; PubMed 17304050.

NC_000016.10:g.(?_2048596)_(2074415_?)del

Gene: TSC2 (TSC complex subunit 2; plus strand). Cytogenetic location: 16p13.3.
Variant type: Deletion.
Identifiers: ClinVar variation 661734 (VCV000661734.5).